The following is an entry in ClinVar:

NM_001289104.2(PRKCSH):c.1169C>T (p.Ser390Leu)

Gene: PRKCSH (PRKCSH beta subunit of glucosidase II; plus strand). Cytogenetic location: 19p13.2.
Variant type: single nucleotide variant.
Coding change: c.1169C>T on transcript NM_001289104.2 (MANE Select); coding-DNA position 1169, C replaced by T.
Protein change: p.Ser390Leu; replaces serine 390 with leucine.
Molecular consequence: missense variant.
Genome position (GRCh38, 1-based): chr19:11,448,264, C>T. VCF-style: chr19-11448264-C-T. GRCh37 (hg19) VCF-style: chr19-11559079-C-T.
Other names: c.1139C>T, p.Ser380Leu (NM_001001329.3, NM_001289102.2, NM_001379609.1); c.1169C>T, p.Ser390Leu (NM_001289103.2); c.1148C>T, p.Ser383Leu (NM_001379608.1, NM_002743.3); short protein forms S390L, S383L, S380L.
Identifiers: ClinVar variation 2738623 (VCV002738623.3), dbSNP rs748624848, ClinGen allele CA9213181.
Genomic context (GRCh38, chr19:11,448,264, plus strand): 5'-CTCCAACCCCTCTCCCAGCTGCCCAGGAGGCCCGCAACAAGTTCGAGGAGGCCGAGCGGT[C>T]GCTGAAGGACATGGAGGAGTCCATCAGGTAGCGGGGGCTGAGGAGCGGGGACACCTGTCC-3'
Protein context (NP_001276033.1, residues 380-400): ARNKFEEAER[Ser390Leu]LKDMEESIRN

ClinVar aggregate classification (germline): Uncertain significance (1 of 4 stars; one submission).

Allele frequency attached by ClinVar (database versions not stated): TOPMed 0.00003; gnomAD 0.00003.
gnomAD v4.1: 37 of 1,570,878 alleles (0.0024%); highest among the groups gnomAD compares: East Asian, 0.007%; no homozygotes.

Submission:

Labcorp Genetics (formerly Invitae), Labcorp
Classification: Uncertain significance. Last evaluated: 2023-11-15. Review status: criteria provided, single submitter. Criteria: Invitae Variant Classification Sherloc (09022015). Collection method: clinical testing. Allele origin: germline.
Comment: This sequence change replaces serine, which is neutral and polar, with leucine, which is neutral and non-polar, at codon 383 of the PRKCSH protein (p.Ser383Leu). The frequency data for this variant in the population databases is considered unreliable, as metrics indicate poor data quality at this position in the gnomAD database. This variant has not been reported in the literature in individuals affected with PRKCSH-related conditions. An algorithm developed to predict the effect of missense changes on protein structure and function (PolyPhen-2) suggests that this variant is likely to be disruptive. In summary, the available evidence is currently insufficient to determine the role of this variant in disease. Therefore, it has been classified as a Variant of Uncertain Significance.